The following is an entry in ClinVar:

ClinVar aggregate classification (germline): Uncertain significance. Review status: criteria provided, multiple submitters, no conflicts (2 of 4 stars). 2 submissions from 2 submitters: Uncertain significance (2). Last evaluated 2025-08-06.

Conditions:
Cutis laxa, autosomal recessive, type 1B (ARCL1B). Also called: CUTIS LAXA, AUTOSOMAL RECESSIVE, TYPE IB; EFEMP2-Related Cutis Laxa. Identifiers: Orphanet 90349, MedGen C3280798, MONDO:0013754, OMIM 614437. Disease mechanism: loss of function.
Cardiovascular phenotype. Identifiers: MedGen CN230736.

Allele frequency attached by ClinVar (database versions not stated): TOPMed below 0.00001; gnomAD 0.00001; gnomAD exomes 0.00001 and 0.00003; ExAC 0.00002; ESP Exome Variant Server 0.00008.
gnomAD v4.1: 15 of 1,613,980 alleles (0.00093%); highest among the groups gnomAD compares: Admixed American, 0.0017%; no homozygotes.

Submissions (2):

Ambry Genetics
Classification: Uncertain significance for Cardiovascular phenotype. Last evaluated: 2025-08-06. Review status: criteria provided, single submitter. Criteria: Ambry Variant Classification Scheme 2023. Collection method: clinical testing. Allele origin: germline.
Comment: The p.R354Q variant (also known as c.1061G>A), located in coding exon 9 of the EFEMP2 gene, results from a G to A substitution at nucleotide position 1061. The arginine at codon 354 is replaced by glutamine, an amino acid with highly similar properties. This amino acid position is conserved. In addition, this alteration is predicted to be deleterious by in silico analysis. Based on the available evidence, the clinical significance of this variant remains unclear.

Labcorp Genetics (formerly Invitae), Labcorp
Classification: Uncertain significance for Cutis laxa, autosomal recessive, type 1B. Last evaluated: 2019-02-13. Review status: criteria provided, single submitter. Criteria: Invitae Variant Classification Sherloc (09022015). Collection method: clinical testing. Allele origin: germline.
Comment: This sequence change replaces arginine with glutamine at codon 354 of the EFEMP2 protein (p.Arg354Gln). The arginine residue is highly conserved and there is a small physicochemical difference between arginine and glutamine. This variant is present in population databases (rs138210467, ExAC 0.005%). This variant has not been reported in the literature in individuals with EFEMP2-related conditions. Algorithms developed to predict the effect of missense changes on protein structure and function (SIFT, PolyPhen-2, Align-GVGD) all suggest that this variant is likely to be disruptive, but these predictions have not been confirmed by published functional studies and their clinical significance is uncertain. Algorithms developed to predict the effect of sequence changes on RNA splicing suggest that this variant may create or strengthen a splice site, but this prediction has not been confirmed by published transcriptional studies. In summary, the available evidence is currently insufficient to determine the role of this variant in disease. Therefore, it has been classified as a Variant of Uncertain Significance.

NM_016938.5(EFEMP2):c.1061G>A (p.Arg354Gln)

Gene: EFEMP2 (EGF-like fibulin extracellular matrix protein 2; minus strand). Cytogenetic location: 11q13.1.
Variant type: single nucleotide variant.
Coding change: c.1061G>A on transcript NM_016938.5 (MANE Select); coding-DNA position 1061, G replaced by A.
Protein change: p.Arg354Gln; replaces arginine 354 with glutamine.
Molecular consequence: missense variant. On other transcripts: non-coding transcript variant (1).
Genome position (GRCh38, 1-based): chr11:65,867,970, C>T on the plus strand (G>A on the coding strand, the complement: EFEMP2 is on the minus strand). VCF-style: chr11-65867970-C-T. GRCh37 (hg19) VCF-style: chr11-65635441-C-T.
Other names: short protein forms R354Q.
Identifiers: ClinVar variation 838486 (VCV000838486.10), dbSNP rs138210467, ClinGen allele CA6110426.